The following is an entry in ClinVar:

NM_001145358.2(SIN3A):c.1090C>G (p.Arg364Gly)

Gene: SIN3A (SIN3 transcription regulator family member A; minus strand). Cytogenetic location: 15q24.2.
Variant type: single nucleotide variant.
Coding change: c.1090C>G on transcript NM_001145358.2 (MANE Select); coding-DNA position 1090, C replaced by G.
Protein change: p.Arg364Gly; replaces arginine 364 with glycine.
Molecular consequence: missense variant.
Genome position (GRCh38, 1-based): chr15:75,410,205, G>C on the plus strand (C>G on the coding strand, the complement: SIN3A is on the minus strand). VCF-style: chr15-75410205-G-C. GRCh37 (hg19) VCF-style: chr15-75702546-G-C.
Other names: c.1090C>G, p.Arg364Gly (NM_001145357.2, NM_015477.3); c.1090C>G (NM_001145358.1); short protein forms R364G.
Identifiers: ClinVar variation 2121511 (VCV002121511.5), dbSNP rs200545732, ClinGen allele CA393446238.

ClinVar aggregate classification (germline): Uncertain significance. Review status: criteria provided, single submitter (1 of 4 stars). 2 submissions from 2 submitters: Uncertain significance (1). 1 of the submissions does not count toward it. Last evaluated 2025-06-03.

Conditions:
SIN3A-related disorder. Also called: SIN3A-related condition.

gnomAD v4.1: 1 of 1,613,984 alleles (0.000062%); highest among the groups gnomAD compares: Non-Finnish European, 0.000085%; no homozygotes.

Submissions (2):

Labcorp Genetics (formerly Invitae), Labcorp
Classification: Uncertain significance. Last evaluated: 2025-06-03. Review status: criteria provided, single submitter. Criteria: Invitae Variant Classification Sherloc (09022015). Collection method: clinical testing. Allele origin: germline.
Comment: This sequence change replaces arginine, which is basic and polar, with glycine, which is neutral and non-polar, at codon 364 of the SIN3A protein (p.Arg364Gly). This variant is not present in population databases (gnomAD no frequency). This variant has not been reported in the literature in individuals affected with SIN3A-related conditions. ClinVar contains an entry for this variant (Variation ID: 2121511). Invitae Evidence Modeling of protein sequence and biophysical properties (such as structural, functional, and spatial information, amino acid conservation, physicochemical variation, residue mobility, and thermodynamic stability) indicates that this missense variant is not expected to disrupt SIN3A protein function with a negative predictive value of 80%. In summary, the available evidence is currently insufficient to determine the role of this variant in disease. Therefore, it has been classified as a Variant of Uncertain Significance.

PreventionGenetics, part of Exact Sciences
Classification: Uncertain significance for SIN3A-related condition. Last evaluated: 2024-07-12. Review status: no assertion criteria provided. Collection method: clinical testing. Allele origin: germline. Not counted in ClinVar's aggregate classification.
Comment: The SIN3A c.1090C>G variant is predicted to result in the amino acid substitution p.Arg364Gly. To our knowledge, this variant has not been reported in the literature or in a large population database, indicating this variant is rare. An alternate substitution of this amino acid residue (p.Arg364His) has been reported in an individual with a neurodevelopmental disorder (Table S3, Wang et al. 2020. PubMed ID: 33004838). At this time, the clinical significance of the c.1090C>G, p.(Arg364Gly) variant is uncertain due to the absence of conclusive functional and genetic evidence.